The following is an entry in ClinVar:

NM_031407.7(HUWE1):c.3935G>A (p.Arg1312His)

Genes: HUWE1 (HECT, UBA and WWE domain containing E3 ubiquitin protein ligase 1; minus strand), LOC126863263 (BRD4-independent group 4 enhancer GRCh37_chrX:53619238-53620437; plus strand). Cytogenetic location: Xp11.22.
Variant type: single nucleotide variant.
Coding change: c.3935G>A on transcript NM_031407.7 (MANE Select); coding-DNA position 3935, G replaced by A.
Protein change: p.Arg1312His; replaces arginine 1312 with histidine.
Molecular consequence: missense variant.
Genome position (GRCh38, 1-based): chrX:53,592,435, C>T on the plus strand (G>A on the coding strand, the complement: HUWE1 is on the minus strand). VCF-style: chrX-53592435-C-T. GRCh37 (hg19) VCF-style: chrX-53619395-C-T.
Other names: short protein forms R1312H.
Identifiers: ClinVar variation 2190793 (VCV002190793.4), dbSNP rs1556979944, ClinGen allele CA413177534.

ClinVar aggregate classification (germline): Uncertain significance (1 of 4 stars; one submission).

Allele frequency attached by ClinVar (database versions not stated): gnomAD exomes 0.00001.
gnomAD v4.1: 8 of 1,210,175 alleles (0.00066%); highest among the groups gnomAD compares: Non-Finnish European, 0.00089%; no homozygotes.

Submission:

Labcorp Genetics (formerly Invitae), Labcorp
Classification: Uncertain significance. Last evaluated: 2025-05-30. Review status: criteria provided, single submitter. Criteria: Invitae Variant Classification Sherloc (09022015). Collection method: clinical testing. Allele origin: germline.
Comment: This sequence change replaces arginine, which is basic and polar, with histidine, which is basic and polar, at codon 1312 of the HUWE1 protein (p.Arg1312His). The frequency data for this variant in the population databases is considered unreliable, as metrics indicate poor data quality at this position in the gnomAD database. This variant has not been reported in the literature in individuals affected with HUWE1-related conditions. ClinVar contains an entry for this variant (Variation ID: 2190793). Invitae Evidence Modeling of protein sequence and biophysical properties (such as structural, functional, and spatial information, amino acid conservation, physicochemical variation, residue mobility, and thermodynamic stability) indicates that this missense variant is not expected to disrupt HUWE1 protein function with a negative predictive value of 95%. In summary, the available evidence is currently insufficient to determine the role of this variant in disease. Therefore, it has been classified as a Variant of Uncertain Significance.